The following is an entry in ClinVar:

NM_006618.5(KDM5B):c.4589A>G (p.Tyr1530Cys)

Gene: KDM5B (lysine demethylase 5B; minus strand). Cytogenetic location: 1q32.1.
Variant type: single nucleotide variant.
Coding change: c.4589A>G on transcript NM_006618.5 (MANE Select); coding-DNA position 4589, A replaced by G.
Protein change: p.Tyr1530Cys; replaces tyrosine 1530 with cysteine.
Molecular consequence: missense variant.
Genome position (GRCh38, 1-based): chr1:202,729,082, T>C on the plus strand (A>G on the coding strand, the complement: KDM5B is on the minus strand). VCF-style: chr1-202729082-T-C. GRCh37 (hg19) VCF-style: chr1-202698210-T-C.
Other names: c.4697A>G, p.Tyr1566Cys (NM_001314042.2); c.4454A>G, p.Tyr1485Cys (NM_001347591.2); c.4574A>G, p.Tyr1525Cys (NM_001399817.1); short protein forms Y1485C, Y1525C, Y1530C, Y1566C.
Identifiers: ClinVar variation 4845479 (VCV004845479.1).

ClinVar aggregate classification (germline): Uncertain significance (1 of 4 stars; one submission).

Submission:

Greenwood Genetic Center Diagnostic Laboratories, Greenwood Genetic Center
Classification: Uncertain significance. Last evaluated: 2025-11-20. Review status: criteria provided, single submitter. Criteria: ACMG Guidelines, 2015. Collection method: clinical testing. Allele origin: germline. Affected: yes.
Comment: Gene of Uncertain Significance